The following is an entry in ClinVar:

NM_000152.5(GAA):c.922C>G (p.His308Asp)

Gene: GAA (alpha glucosidase; plus strand). Cytogenetic location: 17q25.3.
Variant type: single nucleotide variant.
Coding change: c.922C>G on transcript NM_000152.5 (MANE Select); coding-DNA position 922, C replaced by G.
Protein change: p.His308Asp; replaces histidine 308 with aspartic acid.
Molecular consequence: missense variant.
Genome position (GRCh38, 1-based): chr17:80,107,863, C>G. VCF-style: chr17-80107863-C-G. GRCh37 (hg19) VCF-style: chr17-78081662-C-G.
Other names: c.922C>G (NM_000152.4); c.922C>G, p.His308Asp (NM_001079803.3, NM_001079804.3, NM_001406741.1 and 1 more transcripts); short protein forms H308D.
Identifiers: ClinVar variation 2140918 (VCV002140918.5), dbSNP rs112025212, ClinGen allele CA401364054.

ClinVar aggregate classification (germline): Likely pathogenic. Review status: criteria provided, single submitter (1 of 4 stars). 2 submissions from 2 submitters: Likely pathogenic (1). 1 of the submissions does not count toward it. Last evaluated 2022-05-09.

Conditions:
Glycogen storage disease, type II (IOPD). Also called: GLYCOGENOSIS, GENERALIZED, CARDIAC FORM; GSD II; CARDIOMEGALIA GLYCOGENICA DIFFUSA; Glycogen storage disease type 2; Acid maltase deficiency disease; Aglucosidase alfa. Identifiers: Orphanet 365, MedGen C0017921, MONDO:0009290, OMIM 232300.

gnomAD v4.1: 2 of 1,611,710 alleles (0.00012%); highest among the groups gnomAD compares: Middle Eastern, 0.018%; no homozygotes.

Submissions (2):

Labcorp Genetics (formerly Invitae), Labcorp
Classification: Likely pathogenic for Glycogen storage disease, type II. Last evaluated: 2022-05-09. Review status: criteria provided, single submitter. Criteria: Invitae Variant Classification Sherloc (09022015). Collection method: clinical testing. Allele origin: germline.
Comment: This variant disrupts the p.His308 amino acid residue in GAA. Other variant(s) that disrupt this residue have been determined to be pathogenic (PMID: 14695532, 19862843, 28624228, 31086307). This suggests that this residue is clinically significant, and that variants that disrupt this residue are likely to be disease-causing. In summary, the currently available evidence indicates that the variant is pathogenic, but additional data are needed to prove that conclusively. Therefore, this variant has been classified as Likely Pathogenic. Advanced modeling of protein sequence and biophysical properties (such as structural, functional, and spatial information, amino acid conservation, physicochemical variation, residue mobility, and thermodynamic stability) performed at Invitae indicates that this missense variant is expected to disrupt GAA protein function. This variant has not been reported in the literature in individuals affected with GAA-related conditions. This variant is not present in population databases (gnomAD no frequency). This sequence change replaces histidine, which is basic and polar, with aspartic acid, which is acidic and polar, at codon 308 of the GAA protein (p.His308Asp).

Natera, Inc.
Classification: Uncertain significance for Glycogen storage disease type II. Last evaluated: 2025-02-23. Review status: no assertion criteria provided. Collection method: clinical testing. Allele origin: germline. Not counted in ClinVar's aggregate classification.

Literature cited by the submitters: PubMed 14695532 (cited by Labcorp Genetics (formerly Invitae), Labcorp); PubMed 19862843 (cited by Labcorp Genetics (formerly Invitae), Labcorp); PubMed 28624228 (cited by Labcorp Genetics (formerly Invitae), Labcorp); PubMed 31086307 (cited by Labcorp Genetics (formerly Invitae), Labcorp).